The following is an entry in ClinVar:

NM_001256789.3(CACNA1F):c.2330G>C (p.Gly777Ala)

Gene: CACNA1F (calcium voltage-gated channel subunit alpha1 F; minus strand). Cytogenetic location: Xp11.23.
Variant type: single nucleotide variant.
Coding change: c.2330G>C on transcript NM_001256789.3 (MANE Select); coding-DNA position 2330, G replaced by C.
Protein change: p.Gly777Ala; replaces glycine 777 with alanine.
Molecular consequence: missense variant.
Genome position (GRCh38, 1-based): chrX:49,221,039, C>G on the plus strand (G>C on the coding strand, the complement: CACNA1F is on the minus strand). VCF-style: chrX-49221039-C-G. GRCh37 (hg19) VCF-style: chrX-49077498-C-G.
Other names: c.2168G>C, p.Gly723Ala (NM_001256790.3); c.2363G>C, p.Gly788Ala (NM_005183.4); short protein forms G723A, G777A, G788A.
Identifiers: ClinVar variation 1719602 (VCV001719602.5), dbSNP rs782183517, ClinGen allele CA412908699.

ClinVar aggregate classification (germline): Uncertain significance (1 of 4 stars; one submission).

gnomAD v4.1: 1 of 1,207,228 alleles (0.000083%); highest among the groups gnomAD compares: African/African-American, 0.0017%; no homozygotes.

Submission:

Labcorp Genetics (formerly Invitae), Labcorp
Classification: Uncertain significance. Last evaluated: 2024-01-19. Review status: criteria provided, single submitter. Criteria: Invitae Variant Classification Sherloc (09022015). Collection method: clinical testing. Allele origin: germline.
Comment: This sequence change replaces glycine, which is neutral and non-polar, with alanine, which is neutral and non-polar, at codon 788 of the CACNA1F protein (p.Gly788Ala). This variant is not present in population databases (gnomAD no frequency). This variant has not been reported in the literature in individuals affected with CACNA1F-related conditions. ClinVar contains an entry for this variant (Variation ID: 1719602). Advanced modeling of protein sequence and biophysical properties (such as structural, functional, and spatial information, amino acid conservation, physicochemical variation, residue mobility, and thermodynamic stability) performed at Invitae indicates that this missense variant is not expected to disrupt CACNA1F protein function with a negative predictive value of 80%. In summary, the available evidence is currently insufficient to determine the role of this variant in disease. Therefore, it has been classified as a Variant of Uncertain Significance.